The following is an entry in ClinVar:

NM_001378418.1(TCF20):c.1191G>T (p.Gln397His)

Gene: TCF20 (transcription factor 20; minus strand). Cytogenetic location: 22q13.2.
Variant type: single nucleotide variant.
Coding change: c.1191G>T on transcript NM_001378418.1 (MANE Select); coding-DNA position 1191, G replaced by T.
Protein change: p.Gln397His; replaces glutamine 397 with histidine.
Molecular consequence: missense variant.
Genome position (GRCh38, 1-based): chr22:42,214,115, C>A on the plus strand (G>T on the coding strand, the complement: TCF20 is on the minus strand). VCF-style: chr22-42214115-C-A. GRCh37 (hg19) VCF-style: chr22-42610121-C-A.
Other names: c.1191G>T, p.Gln397His (NM_005650.4, NM_181492.3); short protein forms Q397H.
Identifiers: ClinVar variation 2663043 (VCV002663043.1), dbSNP rs1921392107, ClinGen allele CA411791355.

ClinVar aggregate classification (germline): Uncertain significance (1 of 4 stars; one submission).

gnomAD v4.1: 2 of 1,614,210 alleles (0.00012%); highest among the groups gnomAD compares: South Asian, 0.0022%; no homozygotes.

Submission:

GeneDx
Classification: Uncertain significance. Last evaluated: 2023-05-01. Review status: criteria provided, single submitter. Criteria: GeneDx Variant Classification Process June 2021. Collection method: clinical testing. Allele origin: germline. Affected: yes.
Comment: Not observed at significant frequency in large population cohorts (gnomAD); In silico analysis supports that this missense variant does not alter protein structure/function; Has not been previously published as pathogenic or benign to our knowledge